The following is an entry in ClinVar:

ClinVar aggregate classification (germline): Uncertain significance. Review status: criteria provided, multiple submitters, no conflicts (2 of 4 stars). 2 submissions from 2 submitters: Uncertain significance (2). Last evaluated 2023-05-15.

Conditions:
Inborn genetic diseases. Identifiers: MedGen C0950123, MeSH D030342.

Allele frequency attached by ClinVar (database versions not stated): ExAC 0.00001; gnomAD exomes 0.00001; gnomAD 0.00003 and 0.00004.
gnomAD v4.1: 34 of 1,613,924 alleles (0.0021%); highest among the groups gnomAD compares: Middle Eastern, 0.016%; no homozygotes.

Submissions (2):

Ambry Genetics
Classification: Uncertain significance for Inborn genetic diseases. Last evaluated: 2023-05-15. Review status: criteria provided, single submitter. Criteria: Ambry Variant Classification Scheme 2023. Collection method: clinical testing. Allele origin: germline.

Labcorp Genetics (formerly Invitae), Labcorp
Classification: Uncertain significance. Last evaluated: 2022-07-12. Review status: criteria provided, single submitter. Criteria: Invitae Variant Classification Sherloc (09022015). Collection method: clinical testing. Allele origin: germline.
Comment: In summary, the available evidence is currently insufficient to determine the role of this variant in disease. Therefore, it has been classified as a Variant of Uncertain Significance. Algorithms developed to predict the effect of missense changes on protein structure and function are either unavailable or do not agree on the potential impact of this missense change (SIFT: "Deleterious"; PolyPhen-2: "Possibly Damaging"; Align-GVGD: "Class C15"). ClinVar contains an entry for this variant (Variation ID: 1498664). This variant has not been reported in the literature in individuals affected with CUL7-related conditions. This variant is present in population databases (rs765477014, gnomAD 0.008%). This sequence change replaces glutamic acid, which is acidic and polar, with lysine, which is basic and polar, at codon 1104 of the CUL7 protein (p.Glu1104Lys).

NM_014780.5(CUL7):c.3310G>A (p.Glu1104Lys)

Gene: CUL7 (cullin 7; minus strand). Cytogenetic location: 6p21.1.
Variant type: single nucleotide variant.
Coding change: c.3310G>A on transcript NM_014780.5 (MANE Select); coding-DNA position 3310, G replaced by A.
Protein change: p.Glu1104Lys; replaces glutamic acid 1104 with lysine.
Molecular consequence: missense variant.
Genome position (GRCh38, 1-based): chr6:43,043,493, C>T on the plus strand (G>A on the coding strand, the complement: CUL7 is on the minus strand). VCF-style: chr6-43043493-C-T. GRCh37 (hg19) VCF-style: chr6-43011231-C-T.
Other names: c.3406G>A, p.Glu1136Lys (NM_001168370.2, NM_001374872.1); c.3310G>A, p.Glu1104Lys (NM_001374873.1, NM_001374874.1); c.3310G>A (NM_014780.4); short protein forms E1136K, E1104K.
Identifiers: ClinVar variation 1498664 (VCV001498664.10), dbSNP rs765477014, ClinGen allele CA3813530.
Genomic context (GRCh38, chr6:43,043,493, plus strand): 5'-ATCTCCACTACTCACTGGGCCGAGGAGTGGCCACCACAGGAGGGGGTGCCTCACAGGGCT[C>T]GACATGCACCAGCAGGTGAGTGAGACGGCGCACCCGCGAGAAGAAAGCTGGGCCGCGGCT-3'
Protein context (NP_055595.2, residues 1094-1114): RRLTHLLVHV[Glu1104Lys]PCEAPPPVVA